The following is an entry in ClinVar:

ClinVar aggregate classification (germline): Conflicting classifications of pathogenicity. Review status: criteria provided, conflicting classifications (1 of 4 stars). 2 submissions from 2 submitters: Uncertain significance (1); Likely benign (1). Last evaluated 2024-09-27.

Allele frequency attached by ClinVar (database versions not stated): gnomAD exomes 0.00002 and 0.00009; ExAC 0.00003; gnomAD 0.00003 and 0.00004; TOPMed 0.00005; ESP Exome Variant Server 0.00008.
gnomAD v4.1: 135 of 1,612,236 alleles (0.0084%); highest among the groups gnomAD compares: Non-Finnish European, 0.011%; no homozygotes.

Submissions (2):

Ambry Genetics
Classification: Uncertain significance. Last evaluated: 2024-09-27. Review status: criteria provided, single submitter. Criteria: Ambry Variant Classification Scheme 2023. Collection method: clinical testing. Allele origin: germline.

GeneDx
Classification: Likely benign. Last evaluated: 2014-07-14. Review status: criteria provided, single submitter. Criteria: GeneDx Variant Classification (06012015). Collection method: clinical testing. Allele origin: germline. Affected: yes.
Comment: This variant is considered likely benign or benign based on one or more of the following criteria: it is a conservative change, it occurs at a poorly conserved position in the protein, it is predicted to be benign by multiple in silico algorithms, and/or has population frequency not consistent with disease.

NM_020117.11(LARS1):c.2915T>C (p.Ile972Thr)

Gene: LARS1 (leucyl-tRNA synthetase 1; minus strand). Cytogenetic location: 5q32.
Variant type: single nucleotide variant.
Coding change: c.2915T>C on transcript NM_020117.11 (MANE Select); coding-DNA position 2915, T replaced by C.
Protein change: p.Ile972Thr; replaces isoleucine 972 with threonine.
Molecular consequence: missense variant.
Genome position (GRCh38, 1-based): chr5:146,126,511, A>G on the plus strand (T>C on the coding strand, the complement: LARS1 is on the minus strand). VCF-style: chr5-146126511-A-G. GRCh37 (hg19) VCF-style: chr5-145506074-A-G.
Other names: p.I972T:ATT>ACT; c.2777T>C, p.Ile926Thr (NM_001317964.2); c.2753T>C, p.Ile918Thr (NM_001317965.2); c.2834T>C, p.Ile945Thr (NM_016460.4); short protein forms I972T, I918T, I926T, I945T.
Identifiers: ClinVar variation 214567 (VCV000214567.3), dbSNP rs377245038, ClinGen allele CA321981.
Genomic context (GRCh38, chr5:146,126,511, plus strand): 5'-AATGGCATGACTTTCTTCATGTATTTCTTCAGTTCTGGCATACTGCCTAGTTCACTAGCA[A>G]TGACTTTGTTGTCAGGCAGTTTTCCGTTATTGGCCTAAGAAAAGGAAGGAGGGAGAGTAA-3'
Protein context (NP_064502.9, residues 962-982): NNGKLPDNKV[Ile972Thr]ASELGSMPEL